The following is an entry in ClinVar:

NM_004364.5(CEBPA):c.247del (p.Gln83fs)

Gene: CEBPA (CCAAT enhancer binding protein alpha; minus strand). Cytogenetic location: 19q13.11.
Variant type: Deletion.
Coding change: c.247del on transcript NM_004364.5 (MANE Select); coding-DNA position 247, one base deleted (C; older notation c.247delC).
Protein change: p.Gln83fs; shifts the reading frame from glutamine 83.
Molecular consequence: frameshift variant. On other transcripts: 5 prime UTR variant (1).
Genome position (GRCh38, 1-based): chr19:33,302,168, G deleted on the plus strand (C on the coding strand, the reverse complement: CEBPA is on the minus strand); the first of 2 consecutive G bases (chr19:33,302,168-33,302,169); deleting either gives the same sequence. VCF-style (leftmost placement, unchanged base first): chr19-33302167-TG-T. GRCh37 (hg19) VCF-style: chr19-33793073-TG-T.
Other names: c.-111del (NM_001285829.2); c.352del, p.Gln118fs (NM_001287424.2); c.205del, p.Gln69fs (NM_001287435.2); c.247delC (NM_004364.5); short protein forms Q118fs, Q69fs, Q83fs.
Identifiers: ClinVar variation 988381 (VCV000988381.30), dbSNP rs1967192886, ClinGen allele CA507007437.

ClinVar aggregate classification (germline): Pathogenic/Likely pathogenic. Review status: criteria provided, multiple submitters, no conflicts (2 of 4 stars). 3 submissions from 3 submitters: Pathogenic (2); Likely pathogenic (1). Last evaluated 2020-09-10.

Conditions:
Acute myeloid leukemia (AML). Also called: Acute myeloid leukemia, adult; AML adult; Acute non-lymphocytic leukemia; Acute granulocytic leukemia; Leukemia, acute myelogenous, somatic; Leukemia, acute myeloid, somatic. Identifiers: Orphanet 519, MedGen C0023467, MeSH D015470, MONDO:0018874, OMIM 601626, HP:0004808. Disease mechanism: Constitutively activated FLT3.

Submissions (3):

GeneDx
Classification: Likely pathogenic. Last evaluated: 2020-09-10. Review status: criteria provided, single submitter. Criteria: GeneDx Variant Classification Process June 2021. Collection method: clinical testing. Allele origin: germline. Affected: yes.
Comment: Frameshift variant predicted to result in protein truncation, as the last 276 amino acids are replaced with 76 different amino acids, and other loss-of-function variants have been reported downstream in the Human Gene Mutation Database (Stenson et al., 2014); Not observed in large population cohorts (Lek et al., 2016); This variant is associated with the following publications: (PMID: 32855275, 29861846, 20970189, 21354046, 31540291)

Clinical Genetics and Genomics, Karolinska University Hospital
Classification: Pathogenic. Last evaluated: 2017-09-04. Review status: criteria provided, single submitter. Criteria: ACMG Guidelines, 2015. Collection method: clinical testing. Allele origin: unknown. Affected: yes. Observed: 1 variant allele.

Genomic Diagnostics Laboratory, National Institute of Medical Genomics
Classification: Pathogenic for Acute myeloid leukemia. Review status: criteria provided, single submitter. Criteria: AMP Guidelines, 2017. Collection method: clinical testing. Allele origin: somatic. Affected: yes.
Comment: The variant was detected in bone marrow from patients, but it was not confirmed in the matched